The following is an entry in ClinVar:

ClinVar aggregate classification (germline): Uncertain significance (0 of 4 stars; one submission).

Conditions:
CFAP418-related disorder. Also called: CFAP418-related condition.

gnomAD v4.1: 1 of 1,586,984 alleles (0.000063%); highest among the groups gnomAD compares: Non-Finnish European, 0.000085%; no homozygotes.

Submission:

PreventionGenetics, part of Exact Sciences
Classification: Uncertain significance for CFAP418-related condition. Last evaluated: 2024-02-19. Review status: no assertion criteria provided. Collection method: clinical testing. Allele origin: germline.
Comment: The CFAP418 c.302G>A variant is predicted to result in the amino acid substitution p.Gly101Asp. To our knowledge, this variant has not been reported in the literature or in a large population database, indicating this variant is rare. At this time, the clinical significance of this variant is uncertain due to the absence of conclusive functional and genetic evidence.

NM_177965.4(CFAP418):c.302G>A (p.Gly101Asp)

Gene: CFAP418 (cilia and flagella associated protein 418; minus strand). Cytogenetic location: 8q22.1.
Variant type: single nucleotide variant.
Coding change: c.302G>A on transcript NM_177965.4 (MANE Select); coding-DNA position 302, G replaced by A.
Protein change: p.Gly101Asp; replaces glycine 101 with aspartic acid.
Molecular consequence: missense variant.
Genome position (GRCh38, 1-based): chr8:95,260,474, C>T on the plus strand (G>A on the coding strand, the complement: CFAP418 is on the minus strand). VCF-style: chr8-95260474-C-T. GRCh37 (hg19) VCF-style: chr8-96272702-C-T.
Other names: c.302G>A, p.Gly101Asp (NM_001363260.1); short protein forms G101D.
Identifiers: ClinVar variation 3351861 (VCV003351861.1).